The following is an entry in ClinVar:

NM_002016.2(FLG):c.779C>A (p.Ser260Ter)

Genes: CCDST (cervical cancer associated DHX9 suppressive transcript; plus strand), FLG (filaggrin; minus strand). Cytogenetic location: 1q21.3.
Variant type: single nucleotide variant.
Coding change: c.779C>A on transcript NM_002016.2 (MANE Select); coding-DNA position 779, C replaced by A.
Protein change: p.Ser260Ter; replaces serine 260 with a stop codon.
Molecular consequence: nonsense.
Genome position (GRCh38, 1-based): chr1:152,314,107, G>T on the plus strand (C>A on the coding strand, the complement: FLG is on the minus strand). VCF-style: chr1-152314107-G-T. GRCh37 (hg19) VCF-style: chr1-152286583-G-T.
Other names: short protein forms S260*.
Identifiers: ClinVar variation 280438 (VCV000280438.3), dbSNP rs199885226, ClinGen allele CA1107909.

ClinVar aggregate classification (germline): Pathogenic (1 of 4 stars; one submission).

Allele frequency attached by ClinVar (database versions not stated): TOPMed 0.00002; gnomAD 0.00003.
gnomAD v4.1: 23 of 1,613,952 alleles (0.0014%); highest among the groups gnomAD compares: Non-Finnish European, 0.0018%; no homozygotes.

Submission:

GeneDx
Classification: Pathogenic. Last evaluated: 2025-12-20. Review status: criteria provided, single submitter. Criteria: GeneDx Variant Classification Process June 2021. Collection method: clinical testing. Allele origin: germline. Affected: yes.
Comment: Nonsense variant predicted to result in protein truncation, as the last 3802 amino acids are lost, and other loss-of-function variants have been reported downstream in HGMD; Not observed at significant frequency in large population cohorts (gnomAD); Has not been previously published as pathogenic or benign to our knowledge; This variant is associated with the following publications: (PMID: 16444271)